The following is an entry in ClinVar:

ClinVar aggregate classification (germline): Uncertain significance (1 of 4 stars; one submission).

Conditions:
Aicardi-Goutieres syndrome 7 (AGS7). Identifiers: Orphanet 51, MedGen C3888244, MONDO:0014367, OMIM 615846.
Singleton-Merten syndrome 1 (SGMRT1). Also called: Widened medullary cavities of bone, aortic calcification, abnormal dentition, and muscular weakness; Syndrome of widened medullary cavities of the metacarpals and phalanges, aortic calcification and abnormal dentition. Identifiers: Orphanet 85191, MedGen C4225427, MONDO:0024535, OMIM 182250.

Submission:

Labcorp Genetics (formerly Invitae), Labcorp
Classification: Uncertain significance for Aicardi-Goutieres syndrome 7; Singleton-Merten syndrome 1. Last evaluated: 2024-01-17. Review status: criteria provided, single submitter. Criteria: Invitae Variant Classification Sherloc (09022015). Collection method: clinical testing. Allele origin: unknown.
Comment: This variant results in the deletion of part of exon 2 (c.453+2957_552delinsA) of the IFIH1 gene. It is expected to disrupt RNA splicing. Variants that disrupt the donor or acceptor splice site typically lead to a loss of protein function (PMID: 16199547), however the current clinical and genetic evidence is not sufficient to establish whether loss-of-function variants in IFIH1 cause disease. This variant has not been reported in the literature in individuals affected with IFIH1-related conditions. Experimental studies and prediction algorithms are not available or were not evaluated, and the functional significance of this variant is currently unknown. In summary, the available evidence is currently insufficient to determine the role of this variant in disease. Therefore, it has been classified as a Variant of Uncertain Significance.

Literature cited by the submitters: PubMed 16199547.

NC_000002.11:g.(?_163167345)_(163171408_?)del

Gene: IFIH1 (interferon induced with helicase C domain 1; minus strand). Cytogenetic location: 2q24.2.
Variant type: Deletion.
Identifiers: ClinVar variation 3247405 (VCV003247405.1).